The following is an entry in ClinVar:

ClinVar aggregate classification (germline): Uncertain significance (1 of 4 stars; one submission).

Submission:

Labcorp Genetics (formerly Invitae), Labcorp
Classification: Uncertain significance. Last evaluated: 2023-12-26. Review status: criteria provided, single submitter. Criteria: Invitae Variant Classification Sherloc (09022015). Collection method: clinical testing. Allele origin: germline.
Comment: This sequence change replaces alanine, which is neutral and non-polar, with glycine, which is neutral and non-polar, at codon 1068 of the COL11A1 protein (p.Ala1068Gly). This variant is not present in population databases (gnomAD no frequency). This variant has not been reported in the literature in individuals affected with COL11A1-related conditions. Advanced modeling of protein sequence and biophysical properties (such as structural, functional, and spatial information, amino acid conservation, physicochemical variation, residue mobility, and thermodynamic stability) performed at Invitae indicates that this missense variant is not expected to disrupt COL11A1 protein function with a negative predictive value of 95%. In summary, the available evidence is currently insufficient to determine the role of this variant in disease. Therefore, it has been classified as a Variant of Uncertain Significance.

NM_001854.4(COL11A1):c.3203C>G (p.Ala1068Gly)

Gene: COL11A1 (collagen type XI alpha 1 chain; minus strand). Cytogenetic location: 1p21.1.
Variant type: single nucleotide variant.
Coding change: c.3203C>G on transcript NM_001854.4 (MANE Select); coding-DNA position 3203, C replaced by G.
Protein change: p.Ala1068Gly; replaces alanine 1068 with glycine.
Molecular consequence: missense variant. On other transcripts: non-coding transcript variant (1).
Genome position (GRCh38, 1-based): chr1:102,946,922, G>C on the plus strand (C>G on the coding strand, the complement: COL11A1 is on the minus strand). VCF-style: chr1-102946922-G-C. GRCh37 (hg19) VCF-style: chr1-103412478-G-C.
Other names: c.2855C>G, p.Ala952Gly (NM_001168249.1, NM_080630.4); c.3086C>G, p.Ala1029Gly (NM_001190709.2); c.3239C>G, p.Ala1080Gly (NM_080629.3); short protein forms A1029G, A1068G, A1080G, A952G.
Identifiers: ClinVar variation 2705628 (VCV002705628.3), dbSNP rs1431696534, ClinGen allele CA341171311.